The following is an entry in ClinVar:

ClinVar aggregate classification (germline): Uncertain significance. Review status: criteria provided, multiple submitters, no conflicts (2 of 4 stars). 2 submissions from 2 submitters: Uncertain significance (2). Last evaluated 2026-03-06.

Conditions:
Hereditary cancer-predisposing syndrome. Also called: Tumor predisposition; Hereditary Cancer Syndrome; Neoplastic Syndromes, Hereditary; Hereditary neoplastic syndrome. Identifiers: Orphanet 140162, MedGen C0027672, MeSH D009386, MONDO:0015356.

Submissions (2):

Ambry Genetics
Classification: Uncertain significance for Hereditary cancer-predisposing syndrome. Last evaluated: 2026-03-06. Review status: criteria provided, single submitter. Criteria: Ambry Variant Classification Scheme 2023. Collection method: clinical testing. Allele origin: germline.
Comment: The p.L195F variant (also known as c.583C>T), located in coding exon 5 of the BRIP1 gene, results from a C to T substitution at nucleotide position 583. The leucine at codon 195 is replaced by phenylalanine, an amino acid with highly similar properties. This amino acid position is conserved. In addition, this alteration is predicted to be tolerated by in silico analysis. Based on the available evidence, the clinical significance of this variant remains unclear.

Color Diagnostics, LLC DBA Color Health
Classification: Uncertain significance for Hereditary cancer-predisposing syndrome. Last evaluated: 2019-04-03. Review status: criteria provided, single submitter. Criteria: ACMG Guidelines, 2015. Collection method: clinical testing. Allele origin: germline.

NM_032043.3(BRIP1):c.583C>T (p.Leu195Phe)

Gene: BRIP1 (BRCA1 interacting DNA helicase 1; minus strand). Cytogenetic location: 17q23.2.
Variant type: single nucleotide variant.
Coding change: c.583C>T on transcript NM_032043.3 (MANE Select); coding-DNA position 583, C replaced by T.
Protein change: p.Leu195Phe; replaces leucine 195 with phenylalanine.
Molecular consequence: missense variant.
Genome position (GRCh38, 1-based): chr17:61,847,145, G>A on the plus strand (C>T on the coding strand, the complement: BRIP1 is on the minus strand). VCF-style: chr17-61847145-G-A. GRCh37 (hg19) VCF-style: chr17-59924506-G-A.
Other names: short protein forms L195F.
Identifiers: ClinVar variation 489840 (VCV000489840.5), dbSNP rs1555615749, ClinGen allele CA400482988.